The following is an entry in ClinVar:

ClinVar aggregate classification (germline): Uncertain significance. Review status: criteria provided, multiple submitters, no conflicts (2 of 4 stars). 5 submissions from 5 submitters: Uncertain significance (4). 1 of the submissions does not count toward it. Last evaluated 2024-04-15.

Conditions:
Primary ciliary dyskinesia. Also called: Ciliary dyskinesia. Identifiers: Orphanet 244, MedGen C0008780, MONDO:0016575, HP:0012265.
Primary ciliary dyskinesia 9. Also called: CILIARY DYSKINESIA, PRIMARY, 9, WITH OR WITHOUT SITUS INVERSUS. Identifiers: Orphanet 244, MedGen C2676235, MONDO:0012906, OMIM 612444.

Allele frequency attached by ClinVar (database versions not stated): gnomAD 0.00005 and 0.00006; TOPMed 0.00007; gnomAD exomes 0.00010; ExAC 0.00012.
gnomAD v4.1: 122 of 1,614,006 alleles (0.0076%); highest among the groups gnomAD compares: Non-Finnish European, 0.01%; no homozygotes.

Submissions (5):

Ambry Genetics
Classification: Uncertain significance for Primary ciliary dyskinesia. Last evaluated: 2024-04-15. Review status: criteria provided, single submitter. Criteria: Ambry Variant Classification Scheme 2023. Collection method: clinical testing. Allele origin: germline.

Labcorp Genetics (formerly Invitae), Labcorp
Classification: Uncertain significance for Primary ciliary dyskinesia. Last evaluated: 2022-08-20. Review status: criteria provided, single submitter. Criteria: Invitae Variant Classification Sherloc (09022015). Collection method: clinical testing. Allele origin: germline.
Comment: This sequence change replaces methionine, which is neutral and non-polar, with valine, which is neutral and non-polar, at codon 334 of the DNAI2 protein (p.Met334Val). This variant is present in population databases (rs779742315, gnomAD 0.02%). This variant has not been reported in the literature in individuals affected with DNAI2-related conditions. ClinVar contains an entry for this variant (Variation ID: 325016). Algorithms developed to predict the effect of missense changes on protein structure and function are either unavailable or do not agree on the potential impact of this missense change (SIFT: "Deleterious"; PolyPhen-2: "Benign"; Align-GVGD: "Class C0"). In summary, the available evidence is currently insufficient to determine the role of this variant in disease. Therefore, it has been classified as a Variant of Uncertain Significance.

Fulgent Genetics
Classification: Uncertain significance for Primary ciliary dyskinesia 9. Last evaluated: 2021-07-01. Review status: criteria provided, single submitter. Criteria: ACMG Guidelines, 2015. Collection method: clinical testing. Allele origin: unknown.

Illumina Laboratory Services, Illumina
Classification: Uncertain significance for Primary ciliary dyskinesia 9. Last evaluated: 2018-01-12. Review status: criteria provided, single submitter. Criteria: ICSL Variant Classification Criteria 13 December 2019. Collection method: clinical testing. Allele origin: germline.

Natera, Inc.
Classification: Uncertain significance for Primary ciliary dyskinesia. Last evaluated: 2019-10-28. Review status: no assertion criteria provided. Collection method: clinical testing. Allele origin: germline. Not counted in ClinVar's aggregate classification.

NM_023036.6(DNAI2):c.1000A>G (p.Met334Val)

Gene: DNAI2 (dynein axonemal intermediate chain 2; plus strand). Cytogenetic location: 17q25.1.
Variant type: single nucleotide variant.
Coding change: c.1000A>G on transcript NM_023036.6 (MANE Select); coding-DNA position 1000, A replaced by G.
Protein change: p.Met334Val; replaces methionine 334 with valine.
Molecular consequence: missense variant. On other transcripts: non-coding transcript variant (1).
Genome position (GRCh38, 1-based): chr17:74,305,231, A>G. VCF-style: chr17-74305231-A-G. GRCh37 (hg19) VCF-style: chr17-72301370-A-G.
Other names: c.1000A>G, p.Met334Val (NM_001172810.3, NM_001353167.2); c.1000A>G (NM_023036.5); short protein forms M334V.
Identifiers: ClinVar variation 325016 (VCV000325016.16), dbSNP rs779742315, ClinGen allele CA8745587.
Genomic context (GRCh38, chr17:74,305,231, plus strand): 5'-AATTGATGGTTCGTGGAGTCTTCCCCTCCTGTGTCACTCCTTCCACAGCCCACCAAGTTC[A>G]TGGTGGGGACCGAGCAGGGCATCGTCATCTCCTGCAACCGCAAGGCCAAGACGTCAGCTG-3'
Protein context (NP_075462.3, residues 324-344): EFESTLPTKF[Met334Val]VGTEQGIVIS